The following is an entry in ClinVar:

ClinVar aggregate classification (germline): Uncertain significance (1 of 4 stars; one submission).

Conditions:
BEST1-related disorder. Also called: BEST1-related condition; BEST1-related disorders. Identifiers: MedGen CN239200.

gnomAD v4.1: 2 of 1,614,014 alleles (0.00012%); highest among the groups gnomAD compares: Admixed American, 0.0033%; no homozygotes.

Submission:

PreventionGenetics, part of Exact Sciences
Classification: Uncertain significance for BEST1-related condition. Last evaluated: 2025-06-02. Review status: criteria provided, single submitter. Criteria: ACMG Guidelines, 2015. Collection method: clinical testing. Allele origin: germline.
Comment: The BEST1 c.948G>T variant is predicted to result in the amino acid substitution p.Gln316His. This variant has been reported in an individual with presumed autosomal recessive vitelliform macular dystrophy (Table S1, Kinnick et al. 2011. PubMed ID: 21273940). This variant is present in 0.0029% of alleles in individuals of Latino descent in gnomAD. At this time, the clinical significance of this variant is uncertain due to the absence of conclusive functional and genetic evidence.

NM_004183.4(BEST1):c.948G>T (p.Gln316His)

Gene: BEST1 (bestrophin 1; plus strand). Cytogenetic location: 11q12.3.
Variant type: single nucleotide variant.
Coding change: c.948G>T on transcript NM_004183.4 (MANE Select); coding-DNA position 948, G replaced by T.
Protein change: p.Gln316His; replaces glutamine 316 with histidine.
Molecular consequence: missense variant. On other transcripts: 5 prime UTR variant (1), non-coding transcript variant (1), intron variant (4).
Genome position (GRCh38, 1-based): chr11:61,959,578, G>T. VCF-style: chr11-61959578-G-T. GRCh37 (hg19) VCF-style: chr11-61727050-G-T.
Other names: c.768G>T, p.Gln256His (NM_001139443.3, NM_001300787.2); c.630G>T, p.Gln210His (NM_001363591.3); c.1151G>T, p.Arg384Met (NM_001363592.2); c.-25G>T (NM_001363593.3); c.948G>T, p.Gln316His (NM_001440571.1); c.795G>T, p.Gln265His (NM_001440573.1); c.615G>T, p.Gln205His (NM_001440575.1); c.868-314G>T (NM_001440572.1); and 2 more; short protein forms Q205H, Q210H, Q256H, R384M, Q265H, Q316H.
Identifiers: ClinVar variation 4979498 (VCV004979498.1).